The following is an entry in ClinVar:

NM_000393.5(COL5A2):c.2032-39A>T

Gene: COL5A2 (collagen type V alpha 2 chain; minus strand). Cytogenetic location: 2q32.2.
Variant type: single nucleotide variant.
Coding change: c.2032-39A>T on transcript NM_000393.5 (MANE Select); 39 bases into the intron before coding-DNA position 2032, A replaced by T.
Molecular consequence: intron variant.
Genome position (GRCh38, 1-based): chr2:189,060,822, T>A on the plus strand (A>T on the coding strand, the complement: COL5A2 is on the minus strand). VCF-style: chr2-189060822-T-A. GRCh37 (hg19) VCF-style: chr2-189925548-T-A.
Other names: c.2032-39A>T (NM_000393.4).
Identifiers: ClinVar variation 255997 (VCV000255997.5), dbSNP rs6414122, ClinGen allele CA2022477.

ClinVar aggregate classification (germline): Benign. Review status: criteria provided, multiple submitters, no conflicts (2 of 4 stars). 4 submissions from 4 submitters: Benign (4). Last evaluated 2026-09-21.

Allele frequency attached by ClinVar (database versions not stated): 1000 Genomes Project 30x 0.93879; gnomAD 0.95735 and 0.95692; ESP Exome Variant Server 0.96233; ExAC 0.95929; gnomAD exomes 0.97527 and 0.95667; TOPMed 0.94674; 1000 Genomes Project 0.94249.
gnomAD v4.1: 1,506,856 of 1,548,112 alleles (97%); highest among the groups gnomAD compares: Non-Finnish European, 98%; 734,089 homozygotes.

Submissions (5):

Molecular Diagnostic Laboratory for Inherited Cardiovascular Disease, Montreal Heart Institute
Classification: Benign. Last evaluated: 2026-09-21. Review status: criteria provided, single submitter. Criteria: ACMG Guidelines, 2015. Collection method: clinical testing. Allele origin: germline. Affected: no.
Comment: BA1

GeneDx
Classification: Benign. Last evaluated: 2018-06-14. Review status: criteria provided, single submitter. Criteria: GeneDx Variant Classification (06012015). Collection method: clinical testing. Allele origin: germline. Affected: yes.
Comment: This variant is considered likely benign or benign based on one or more of the following criteria: it is a conservative change, it occurs at a poorly conserved position in the protein, it is predicted to be benign by multiple in silico algorithms, and/or has population frequency not consistent with disease.

Breakthrough Genomics
Classification: Benign. Review status: criteria provided, single submitter. Criteria: ACMG Guidelines, 2015. Collection method: not provided. Allele origin: germline. Inheritance: Autosomal dominant inheritance. Affected: yes.

PreventionGenetics, part of Exact Sciences
Classification: Benign. Review status: criteria provided, single submitter. Criteria: ACMG Guidelines, 2015. Collection method: clinical testing. Allele origin: germline.

Dr. Peter K. Rogan Lab, Western University
No classification provided (evidence only). Condition: Familial cancer of breast. Review status: no classification provided. Collection method: in vitro. Allele origin: not applicable. Functional consequence: retained intron. Not counted in ClinVar's aggregate classification.